The following is an entry in ClinVar:

NM_006312.6(NCOR2):c.4383C>T (p.Thr1461=)

Gene: NCOR2 (nuclear receptor corepressor 2; minus strand). Cytogenetic location: 12q24.31.
Variant type: single nucleotide variant.
Coding change: c.4383C>T on transcript NM_006312.6 (MANE Select); coding-DNA position 4383, C replaced by T.
Protein change: p.Thr1461=; no amino-acid change (threonine 1461 retained).
Molecular consequence: synonymous variant.
Genome position (GRCh38, 1-based): chr12:124,344,928, G>A on the plus strand (C>T on the coding strand, the complement: NCOR2 is on the minus strand). VCF-style: chr12-124344928-G-A. GRCh37 (hg19) VCF-style: chr12-124829474-G-A.
Other names: c.4353C>T, p.Thr1451= (NM_001077261.4, NM_001206654.2).
Identifiers: ClinVar variation 3039792 (VCV003039792.2), dbSNP rs61241227, ClinGen allele CA6868265.

ClinVar aggregate classification (germline): Benign (0 of 4 stars; one submission).

Conditions:
NCOR2-related disorder. Also called: NCOR2-related condition.

Allele frequency attached by ClinVar (database versions not stated): 1000 Genomes Project 30x 0.00312; 1000 Genomes Project 0.00319; ESP Exome Variant Server 0.00353.
gnomAD v4.1: 1,104 of 1,559,424 alleles (0.071%); highest among the groups gnomAD compares: African/African-American, 1.2%; 8 homozygotes.

Submission:

PreventionGenetics, part of Exact Sciences
Classification: Benign for NCOR2-related condition. Last evaluated: 2019-09-19. Review status: no assertion criteria provided. Collection method: clinical testing. Allele origin: germline.
Comment: This variant is classified as benign based on ACMG/AMP sequence variant interpretation guidelines (Richards et al. 2015 PMID: 25741868, with internal and published modifications).